The following is an entry in ClinVar:

ClinVar aggregate classification (germline): Likely benign. Review status: criteria provided, multiple submitters, no conflicts (2 of 4 stars). 3 submissions from 3 submitters: Likely benign (3). Last evaluated 2026-02-19.

Conditions:
Cardiovascular phenotype. Identifiers: MedGen CN230736.
DES-related disorder. Also called: DES-related condition.
Desmin-related myofibrillar myopathy (MFM1). Also called: Desminopathy; Desmin related myopathy (former name); Desmin storage myopathy (former name); MYOFIBRILLAR MYOPATHY WITH ARRHYTHMOGENIC RIGHT VENTRICULAR CARDIOMYOPATHY; DESMIN-RELATED MYOPATHY WITH ARRHYTHMOGENIC RIGHT VENTRICULAR CARDIOMYOPATHY; Myofibrillar myopathy 1. Identifiers: Orphanet 363543, Orphanet 98909, MedGen C1832370, MONDO:0011076, OMIM 601419.

Allele frequency attached by ClinVar (database versions not stated): gnomAD 0.00001; gnomAD exomes 0.00001 and 0.00002; TOPMed 0.00002.

Submissions (3):

PreventionGenetics, part of Exact Sciences
Classification: Likely benign for DES-related condition. Last evaluated: 2026-02-19. Review status: criteria provided, single submitter. Criteria: ACMG Guidelines, 2015. Collection method: clinical testing. Allele origin: germline.
Comment: This variant is classified as likely benign based on ACMG/AMP sequence variant interpretation guidelines (Richards et al. 2015 PMID: 25741868, with internal and published modifications).

Labcorp Genetics (formerly Invitae), Labcorp
Classification: Likely benign for Desmin-related myofibrillar myopathy. Last evaluated: 2025-12-08. Review status: criteria provided, single submitter. Criteria: Invitae Variant Classification Sherloc (09022015). Collection method: clinical testing. Allele origin: germline.

Ambry Genetics
Classification: Likely benign for Cardiovascular phenotype. Last evaluated: 2022-11-20. Review status: criteria provided, single submitter. Criteria: Ambry Variant Classification Scheme 2023. Collection method: clinical testing. Allele origin: germline.

NM_001927.4(DES):c.291G>A (p.Val97=)

Gene: DES (desmin; plus strand). Cytogenetic location: 2q35.
Variant type: single nucleotide variant.
Coding change: c.291G>A on transcript NM_001927.4 (MANE Select); coding-DNA position 291, G replaced by A.
Protein change: p.Val97=; no amino-acid change (valine 97 retained).
Molecular consequence: synonymous variant.
Genome position (GRCh38, 1-based): chr2:219,418,753, G>A. VCF-style: chr2-219418753-G-A. GRCh37 (hg19) VCF-style: chr2-220283475-G-A.
Other names: c.291G>A (NM_001927.3); c.291G>A, p.Val97= (NM_001382708.1, NM_001382709.1, NM_001382710.1 and 3 more transcripts).
Identifiers: ClinVar variation 1083770 (VCV001083770.12), dbSNP rs775205419, ClinGen allele CA2125051.